The following is an entry in ClinVar:

ClinVar aggregate classification (germline): Uncertain significance. Review status: criteria provided, multiple submitters, no conflicts (2 of 4 stars). 2 submissions from 2 submitters: Uncertain significance (2). Last evaluated 2026-08-28.

Conditions:
Tuberous sclerosis 1 (TSC1). Identifiers: Orphanet 805, MedGen C1854465, MONDO:0008612, OMIM 191100.
Hereditary cancer-predisposing syndrome. Also called: Hereditary Cancer Syndrome; Tumor predisposition; Neoplastic Syndromes, Hereditary; Hereditary neoplastic syndrome. Identifiers: Orphanet 140162, MedGen C0027672, MeSH D009386, MONDO:0015356.

Allele frequency attached by ClinVar (database versions not stated): gnomAD exomes below 0.00001.
gnomAD v4.1: 1 of 1,612,814 alleles (0.000062%); highest among the groups gnomAD compares: East Asian, 0.0022%; no homozygotes.

Submissions (2):

Ambry Genetics
Classification: Uncertain significance for Hereditary cancer-predisposing syndrome. Last evaluated: 2026-08-28. Review status: criteria provided, single submitter. Criteria: Ambry Variant Classification Scheme 2023. Collection method: clinical testing. Allele origin: germline.
Comment: The p.Q573R variant (also known as c.1718A>G), located in coding exon 13 of the TSC1 gene, results from an A to G substitution at nucleotide position 1718. The glutamine at codon 573 is replaced by arginine, an amino acid with highly similar properties. This amino acid position is conserved. In addition, this alteration is predicted to be tolerated by in silico analysis. Based on the available evidence, the clinical significance of this variant remains unclear.

Labcorp Genetics (formerly Invitae), Labcorp
Classification: Uncertain significance for Tuberous sclerosis 1. Last evaluated: 2024-04-14. Review status: criteria provided, single submitter. Criteria: Invitae Variant Classification Sherloc (09022015). Collection method: clinical testing. Allele origin: germline.
Comment: This sequence change replaces glutamine, which is neutral and polar, with arginine, which is basic and polar, at codon 573 of the TSC1 protein (p.Gln573Arg). This variant is not present in population databases (gnomAD no frequency). This variant has not been reported in the literature in individuals affected with TSC1-related conditions. ClinVar contains an entry for this variant (Variation ID: 1496663). Advanced modeling of protein sequence and biophysical properties (such as structural, functional, and spatial information, amino acid conservation, physicochemical variation, residue mobility, and thermodynamic stability) performed at Invitae indicates that this missense variant is not expected to disrupt TSC1 protein function with a negative predictive value of 95%. In summary, the available evidence is currently insufficient to determine the role of this variant in disease. Therefore, it has been classified as a Variant of Uncertain Significance.

NM_000368.5(TSC1):c.1718A>G (p.Gln573Arg)

Gene: TSC1 (TSC complex subunit 1; minus strand). Cytogenetic location: 9q34.13.
Variant type: single nucleotide variant.
Coding change: c.1718A>G on transcript NM_000368.5 (MANE Select); coding-DNA position 1718, A replaced by G.
Protein change: p.Gln573Arg; replaces glutamine 573 with arginine.
Molecular consequence: missense variant.
Genome position (GRCh38, 1-based): chr9:132,905,860, T>C on the plus strand (A>G on the coding strand, the complement: TSC1 is on the minus strand). VCF-style: chr9-132905860-T-C. GRCh37 (hg19) VCF-style: chr9-135781247-T-C.
Other names: c.1715A>G, p.Gln572Arg (NM_001162426.2); c.1565A>G, p.Gln522Arg (NM_001162427.2); c.1355A>G, p.Gln452Arg (NM_001362177.2); c.1718A>G (NM_000368.4); short protein forms Q522R, Q452R, Q572R, Q573R.
Identifiers: ClinVar variation 1496663 (VCV001496663.9), dbSNP rs2131829461, ClinGen allele CA375364004.